The following is an entry in ClinVar:

NM_001244008.2(KIF1A):c.3091G>A (p.Gly1031Arg)

Gene: KIF1A (kinesin family member 1A; minus strand). Cytogenetic location: 2q37.3.
Variant type: single nucleotide variant.
Coding change: c.3091G>A on transcript NM_001244008.2 (MANE Select); coding-DNA position 3091, G replaced by A.
Protein change: p.Gly1031Arg; replaces glycine 1031 with arginine.
Molecular consequence: missense variant.
Genome position (GRCh38, 1-based): chr2:240,746,150, C>T on the plus strand (G>A on the coding strand, the complement: KIF1A is on the minus strand). VCF-style: chr2-240746150-C-T. GRCh37 (hg19) VCF-style: chr2-241685567-C-T.
Other names: c.2815G>A, p.Gly939Arg (NM_001320705.2, NM_001330289.2, NM_001379638.1); c.2890G>A, p.Gly964Arg (NM_001330290.2, NM_001379634.1, NM_001379635.1 and 1 more transcripts); c.3166G>A, p.Gly1056Arg (NM_001379631.1); c.3040G>A, p.Gly1014Arg (NM_001379632.1); c.3064G>A, p.Gly1022Arg (NM_001379633.1, NM_001379642.1, NM_001379645.1); c.2788G>A, p.Gly930Arg (NM_001379636.1, NM_001379639.1, NM_001379640.1 and 6 more transcripts); c.2863G>A, p.Gly955Arg (NM_001379637.1, NM_001379648.1); short protein forms G1014R, G1022R, G1031R, G1056R, G930R, G939R, G955R, G964R.
Identifiers: ClinVar variation 1695684 (VCV001695684.2), dbSNP rs1290838196, ClinGen allele CA351318982.
Genomic context (GRCh38, chr2:240,746,150, plus strand): 5'-CCTGGCCCTGGCCCTCCACGATGCGAAGCTCTTCCTGGGAGGTTCCCGAGCGGGACATCC[C>T]CACCACGGGGCAAGACTCGGACTGGAACTGATCAGAGGGGGACCAGAGTCAGAGAGAGCC-3'
Protein context (NP_001230937.1, residues 1021-1041): KFQSESCPVV[Gly1031Arg]MSRSGTSQEE

ClinVar aggregate classification (germline): Uncertain significance (1 of 4 stars; one submission).

Allele frequency attached by ClinVar (database versions not stated): TOPMed below 0.00001.

Submission:

GeneDx
Classification: Uncertain significance. Last evaluated: 2022-01-05. Review status: criteria provided, single submitter. Criteria: GeneDx Variant Classification Process June 2021. Collection method: clinical testing. Allele origin: germline. Affected: yes.
Comment: Not observed at significant frequency in large population cohorts (gnomAD); In silico analysis supports that this missense variant has a deleterious effect on protein structure/function; Has not been previously published as pathogenic or benign to our knowledge